The following is an entry in ClinVar:

NM_005228.5(EGFR):c.1110C>A (p.His370Gln)

Genes: EGFR (epidermal growth factor receptor; plus strand), LOC126860048 (P300/CBP strongly-dependent group 1 enhancer GRCh37_chr7:55223847-55225046; plus strand). Cytogenetic location: 7p11.2.
Variant type: single nucleotide variant.
Coding change: c.1110C>A on transcript NM_005228.5 (MANE Select); coding-DNA position 1110, C replaced by A.
Protein change: p.His370Gln; replaces histidine 370 with glutamine.
Molecular consequence: missense variant.
Genome position (GRCh38, 1-based): chr7:55,156,636, C>A. VCF-style: chr7-55156636-C-A. GRCh37 (hg19) VCF-style: chr7-55224329-C-A.
Other names: c.1110C>A, p.His370Gln (NM_201282.2, NM_201283.2, NM_201284.2 and 1 more transcripts); c.975C>A, p.His325Gln (NM_001346897.2, NM_001346899.2); c.951C>A, p.His317Gln (NM_001346900.2); c.309C>A, p.His103Gln (NM_001346941.2); short protein forms H103Q, H317Q, H325Q, H370Q.
Identifiers: ClinVar variation 1716453 (VCV001716453.6), dbSNP rs539077864, ClinGen allele CA367578419.
Genomic context (GRCh38, chr7:55,156,636, plus strand): 5'-CATAAATGCTACGAATATTAAACACTTCAAAAACTGCACCTCCATCAGTGGCGATCTCCA[C>A]ATCCTGCCGGTGGCATTTAGGGGGTGAGTCACAGGTTCAGTTGCTTGTATAAAGAAAAAC-3'
Protein context (NP_005219.2, residues 360-380): KNCTSISGDL[His370Gln]ILPVAFRGDS

ClinVar aggregate classification (germline): Uncertain significance (1 of 4 stars; one submission).

Conditions:
EGFR-related lung cancer (EGFR). Identifiers: MedGen CN130014.

Submission:

Labcorp Genetics (formerly Invitae), Labcorp
Classification: Uncertain significance for EGFR-related lung cancer. Last evaluated: 2022-08-15. Review status: criteria provided, single submitter. Criteria: Invitae Variant Classification Sherloc (09022015). Collection method: clinical testing. Allele origin: germline.
Comment: In summary, the available evidence is currently insufficient to determine the role of this variant in disease. Therefore, it has been classified as a Variant of Uncertain Significance. Algorithms developed to predict the effect of missense changes on protein structure and function are either unavailable or do not agree on the potential impact of this missense change (SIFT: "Tolerated"; PolyPhen-2: "Probably Damaging"; Align-GVGD: "Class C0"). This variant has not been reported in the literature in individuals affected with EGFR-related conditions. This variant is not present in population databases (gnomAD no frequency). This sequence change replaces histidine, which is basic and polar, with glutamine, which is neutral and polar, at codon 370 of the EGFR protein (p.His370Gln).